The following is an entry in ClinVar:

ClinVar aggregate classification (germline): Pathogenic (1 of 4 stars; one submission).

Conditions:
Intellectual disability-facial dysmorphism syndrome due to SETD5 haploinsufficiency (MRD23). Also called: Intellectual developmental disorder, autosomal dominant 23. Identifiers: Orphanet 404440, MedGen C3810406, MONDO:0014336, OMIM 615761.

Submission:

Victorian Clinical Genetics Services, Murdoch Childrens Research Institute
Classification: Pathogenic for Intellectual disability-facial dysmorphism syndrome due to SETD5 haploinsufficiency. Last evaluated: 2024-10-09. Review status: criteria provided, single submitter. Criteria: ACMG Guidelines, 2015. Collection method: clinical testing. Allele origin: germline. Inheritance: Autosomal dominant inheritance. Affected: yes.
Comment: Based on the classification scheme VCGS_Germline_v1.3.4, this variant is classified as Pathogenic. Following criteria are met: 0102 - Loss of function is a known mechanism of disease in this gene and is associated with intellectual developmental disorder, autosomal dominant 23 (MIM#615761). (I) 0107 - This gene is associated with autosomal dominant disease. (I) 0115 - Variants in this gene are known to have variable expressivity. Some mildly affected parents with the same SETD5 variant as their more severely affected children have been reported (PMID: 28881385, 27375234). (I) 0201 - Variant is predicted to cause nonsense-mediated decay (NMD) and loss of protein (premature termination codon is located at least 54 nucleotides upstream of the final exon-exon junction). (SP) 0251 - This variant is heterozygous. (I) 0301 - Variant is absent from gnomAD (both v2 and v3). (SP) 0701 - Other NMD-predicted variants comparable to the one identified in this case have very strong previous evidence for pathogenicity. Many NMD-predicted variants have been reported as either pathogenic or likely pathogenic (ClinVar). (SP) 0807 - This variant has no previous evidence of pathogenicity. (I) 0905 - No published segregation evidence has been identified for this variant. (I) 1007 - No published functional evidence has been identified for this variant. (SP) Legend: (SP) - Supporting pathogenic, (I) - Information, (SB) - Supporting benign

Literature cited by the submitters: PubMed 27375234; PubMed 28881385.

NM_001080517.3(SETD5):c.1635_1638del (p.Thr546fs)

Gene: SETD5 (SET domain containing 5; plus strand). Cytogenetic location: 3p25.3.
Variant type: Deletion.
Coding change: c.1635_1638del on transcript NM_001080517.3 (MANE Select); coding-DNA positions 1635 to 1638, 4 bases deleted (TACT; older notation c.1635_1638delTACT).
Protein change: p.Thr546fs; shifts the reading frame from threonine 546.
Molecular consequence: frameshift variant.
Genome position (GRCh38, 1-based): chr3:9,447,160-9,447,163, TACT deleted; deleting any 4 consecutive bases within chr3:9,447,159-9,447,163 gives the same sequence; the c. name uses the placement nearest the transcript's 3' end. VCF-style (leftmost placement, unchanged base first): chr3-9447158-ATTAC-A. GRCh37 (hg19) VCF-style: chr3-9488842-ATTAC-A.
Other names: c.1341_1344del, p.Thr448fs (NM_001292043.2, NM_001349451.2); short protein forms T448fs, T546fs.
Identifiers: ClinVar variation 3377053 (VCV003377053.1).